The following is an entry in ClinVar:

NC_000003.11:g.(?_43647186)_(43647344_?)del

Gene: ANO10 (anoctamin 10; minus strand). Cytogenetic location: 3p22.1.
Variant type: Deletion.
Identifiers: ClinVar variation 3247028 (VCV003247028.1).

ClinVar aggregate classification (germline): Pathogenic (1 of 4 stars; one submission).

Submission:

Labcorp Genetics (formerly Invitae), Labcorp
Classification: Pathogenic. Last evaluated: 2023-11-01. Review status: criteria provided, single submitter. Criteria: Invitae Variant Classification Sherloc (09022015). Collection method: clinical testing. Allele origin: unknown.
Comment: This variant is a gross deletion of the genomic region encompassing exon(s) 2 of the ANO10 gene, which includes the initiator codon. This deletion extends beyond the assayed region for this gene and therefore may encompass additional genes. It is expected to result in an absent or disrupted protein product. Loss-of-function variants in ANO10 are known to be pathogenic (PMID: 25089919). This variant has not been reported in the literature in individuals affected with ANO10-related conditions. For these reasons, this variant has been classified as Pathogenic.

Literature cited by the submitters: PubMed 25089919.